The following is an entry in ClinVar:

NM_005751.5(AKAP9):c.213G>C (p.Gln71His)

Gene: AKAP9 (A-kinase anchoring protein 9; plus strand). Cytogenetic location: 7q21.2.
Variant type: single nucleotide variant.
Coding change: c.213G>C on transcript NM_005751.5 (MANE Select); coding-DNA position 213, G replaced by C.
Protein change: p.Gln71His; replaces glutamine 71 with histidine.
Molecular consequence: missense variant.
Genome position (GRCh38, 1-based): chr7:91,973,875, G>C. VCF-style: chr7-91973875-G-C. GRCh37 (hg19) VCF-style: chr7-91603189-G-C.
Other names: c.213G>C, p.Gln71His (NM_147185.3); short protein forms Q71H.
Identifiers: ClinVar variation 4720431 (VCV004720431.1).
Genomic context (GRCh38, chr7:91,973,875, plus strand): 5'-ACACCATGATTTGAATATTGATCAATCACAGTGTAATGAAATGTACATAAATAGTTCTCA[G>C]AGAGTAGAATCAACTGTGATTCCTGAATCTACAATAATGAGAACTCTACATAGTGGAGAA-3'
Protein context (NP_005742.4, residues 61-81): QCNEMYINSS[Gln71His]RVESTVIPES

ClinVar aggregate classification (germline): Uncertain significance (1 of 4 stars; one submission).

Conditions:
Long QT syndrome (LQTS). Identifiers: MedGen C0023976, MeSH D008133, MONDO:0002442. Disease mechanism: loss of function. Inheritance: Various modes of inheritance.

Submission:

Labcorp Genetics (formerly Invitae), Labcorp
Classification: Uncertain significance for Long QT syndrome. Last evaluated: 2025-05-28. Review status: criteria provided, single submitter. Criteria: Invitae Variant Classification Sherloc (09022015). Collection method: clinical testing. Allele origin: germline.
Comment: This sequence change replaces glutamine, which is neutral and polar, with histidine, which is basic and polar, at codon 71 of the AKAP9 protein (p.Gln71His). This variant is not present in population databases (gnomAD no frequency). This variant has not been reported in the literature in individuals affected with AKAP9-related conditions. An algorithm developed to predict the effect of missense changes on protein structure and function (PolyPhen-2) suggests that this variant is likely to be disruptive. In summary, the available evidence is currently insufficient to determine the role of this variant in disease. Therefore, it has been classified as a Variant of Uncertain Significance.